The following is an entry in ClinVar:

NM_032578.4(MYPN):c.1763C>T (p.Pro588Leu)

Gene: MYPN (myopalladin; plus strand). Cytogenetic location: 10q21.3.
Variant type: single nucleotide variant.
Coding change: c.1763C>T on transcript NM_032578.4 (MANE Select); coding-DNA position 1763, C replaced by T.
Protein change: p.Pro588Leu; replaces proline 588 with leucine.
Molecular consequence: missense variant. On other transcripts: non-coding transcript variant (2).
Genome position (GRCh38, 1-based): chr10:68,166,456, C>T. VCF-style: chr10-68166456-C-T. GRCh37 (hg19) VCF-style: chr10-69926213-C-T.
Other names: c.1763C>T, p.Pro588Leu (NM_001256267.2); c.881C>T, p.Pro294Leu (NM_001256268.2); short protein forms P588L, P294L.
Identifiers: ClinVar variation 1443612 (VCV001443612.5), dbSNP rs199936299, ClinGen allele CA5522652.

ClinVar aggregate classification (germline): Uncertain significance (1 of 4 stars; one submission).

Conditions:
Dilated cardiomyopathy 1KK (CMD1KK). Identifiers: Orphanet 154, Orphanet 75249, MedGen C3714995, MONDO:0014100, OMIM 615248.

Allele frequency attached by ClinVar (database versions not stated): gnomAD 0.00001; gnomAD exomes 0.00001; ExAC 0.00002; 1000 Genomes Project 30x 0.00016; 1000 Genomes Project 0.00020.
gnomAD v4.1: 4 of 1,614,122 alleles (0.00025%); highest among the groups gnomAD compares: East Asian, 0.0045%; no homozygotes.

Submission:

Labcorp Genetics (formerly Invitae), Labcorp
Classification: Uncertain significance for Dilated cardiomyopathy 1KK. Last evaluated: 2022-04-08. Review status: criteria provided, single submitter. Criteria: Invitae Variant Classification Sherloc (09022015). Collection method: clinical testing. Allele origin: germline.
Comment: In summary, the available evidence is currently insufficient to determine the role of this variant in disease. Therefore, it has been classified as a Variant of Uncertain Significance. Algorithms developed to predict the effect of missense changes on protein structure and function are either unavailable or do not agree on the potential impact of this missense change (SIFT: "Deleterious"; PolyPhen-2: "Probably Damaging"; Align-GVGD: "Class C0"). This variant has not been reported in the literature in individuals affected with MYPN-related conditions. This variant is present in population databases (rs199936299, gnomAD 0.002%). This sequence change replaces proline, which is neutral and non-polar, with leucine, which is neutral and non-polar, at codon 588 of the MYPN protein (p.Pro588Leu).